The following is an entry in ClinVar:

ClinVar aggregate classification (germline): Uncertain significance (1 of 4 stars; one submission).

Conditions:
Hereditary cancer-predisposing syndrome. Also called: Neoplastic Syndromes, Hereditary; Hereditary Cancer Syndrome; Hereditary neoplastic syndrome; Tumor predisposition. Identifiers: Orphanet 140162, MedGen C0027672, MeSH D009386, MONDO:0015356.

Submission:

Ambry Genetics
Classification: Uncertain significance for Hereditary cancer-predisposing syndrome. Last evaluated: 2023-04-18. Review status: criteria provided, single submitter. Criteria: Ambry Variant Classification Scheme 2023. Collection method: clinical testing. Allele origin: germline.
Comment: The p.Q1752P variant (also known as c.5255A>C), located in coding exon 40 of the TSC2 gene, results from an A to C substitution at nucleotide position 5255. The glutamine at codon 1752 is replaced by proline, an amino acid with similar properties. This amino acid position is conserved. In addition, this alteration is predicted to be deleterious by in silico analysis. Since supporting evidence is limited at this time, the clinical significance of this alteration remains unclear.

NM_000548.5(TSC2):c.5255A>C (p.Gln1752Pro)

Gene: TSC2 (TSC complex subunit 2; plus strand). Cytogenetic location: 16p13.3.
Variant type: single nucleotide variant.
Coding change: c.5255A>C on transcript NM_000548.5 (MANE Select); coding-DNA position 5255, A replaced by C.
Protein change: p.Gln1752Pro; replaces glutamine 1752 with proline.
Molecular consequence: missense variant. On other transcripts: non-coding transcript variant (5).
Genome position (GRCh38, 1-based): chr16:2,088,321, A>C. VCF-style: chr16-2088321-A-C. GRCh37 (hg19) VCF-style: chr16-2138322-A-C.
Other names: c.5054A>C, p.Gln1685Pro (NM_001077183.3); c.5186A>C, p.Gln1729Pro (NM_001114382.3); c.4946A>C, p.Gln1649Pro (NM_001318827.2); c.4910A>C, p.Gln1637Pro (NM_001318829.2); c.4523A>C, p.Gln1508Pro (NM_001318831.2); c.5087A>C, p.Gln1696Pro (NM_001318832.2); c.5057A>C, p.Gln1686Pro (NM_001363528.2); c.5123A>C, p.Gln1708Pro (NM_001370404.1); and 27 more; short protein forms Q1237P, Q1281P, Q1529P, Q1552P, Q1679P, Q1685P, Q1715P, Q1726P.
Identifiers: ClinVar variation 2564710 (VCV002564710.2), dbSNP rs2151632821, ClinGen allele CA394314791.
Genomic context (GRCh38, chr16:2,088,321, plus strand): 5'-CCACCGATATCTACCCCTCCAAGTGGATTGCCCGGCTCCGCCACATCAAGCGGCTCCGCC[A>C]GCGGGTAGGGAATATGGGGCTCCCTCAGCGGGGTGTGCTGGCTGCCCAAGCTGTGGGGCG-3'
Protein context (NP_000539.2, residues 1742-1762): ARLRHIKRLR[Gln1752Pro]RICEEAAYSN